The following is an entry in ClinVar:

ClinVar aggregate classification (germline): Likely pathogenic (1 of 4 stars; one submission).

Allele frequency attached by ClinVar (database versions not stated): gnomAD exomes below 0.00001.

Submission:

Ambry Genetics
Classification: Likely pathogenic. Last evaluated: 2026-02-26. Review status: criteria provided, single submitter. Criteria: Ambry Variant Classification Scheme 2023. Collection method: clinical testing. Allele origin: germline.
Comment: The c.902G>A (p.R301Q) alteration is located in exon 11 of the HDAC3 gene. This alteration results from a G to A substitution at nucleotide position 902, causing the arginine (R) at amino acid position 301 to be replaced by a glutamine (Q). This variant was not reported in population-based cohorts in the Genome Aggregation Database (gnomAD). This amino acid position is highly conserved in available vertebrate species. This missense alteration is located in a region that has a low rate of benign missense variation (Lek, 2016; Firth, 2009). The in silico prediction for this alteration is inconclusive. Based on the available evidence, this alteration is classified as likely pathogenic.

NM_003883.4(HDAC3):c.902G>A (p.Arg301Gln)

Gene: HDAC3 (histone deacetylase 3; minus strand). Cytogenetic location: 5q31.3.
Variant type: single nucleotide variant.
Coding change: c.902G>A on transcript NM_003883.4 (MANE Select); coding-DNA position 902, G replaced by A.
Protein change: p.Arg301Gln; replaces arginine 301 with glutamine.
Molecular consequence: missense variant. On other transcripts: non-coding transcript variant (6).
Genome position (GRCh38, 1-based): chr5:141,626,212, C>T on the plus strand (G>A on the coding strand, the complement: HDAC3 is on the minus strand). VCF-style: chr5-141626212-C-T. GRCh37 (hg19) VCF-style: chr5-141005779-C-T.
Other names: c.902G>A, p.Arg301Gln (NM_001355039.2); c.443G>A, p.Arg148Gln (NM_001355040.2); c.341G>A, p.Arg114Gln (NM_001355041.2); short protein forms R301Q, R114Q, R148Q.
Identifiers: ClinVar variation 520683 (VCV000520683.5), dbSNP rs1554216303, ClinGen allele CA361515893.